The following is an entry in ClinVar:

ClinVar aggregate classification (germline): Uncertain significance (1 of 4 stars; one submission).

Conditions:
Hereditary cancer-predisposing syndrome. Also called: Neoplastic Syndromes, Hereditary; Hereditary neoplastic syndrome; Tumor predisposition; Hereditary Cancer Syndrome. Identifiers: Orphanet 140162, MedGen C0027672, MeSH D009386, MONDO:0015356.

Submission:

Ambry Genetics
Classification: Uncertain significance for Hereditary cancer-predisposing syndrome. Last evaluated: 2023-01-21. Review status: criteria provided, single submitter. Criteria: Ambry Variant Classification Scheme 2023. Collection method: clinical testing. Allele origin: germline.
Comment: The p.E951G variant (also known as c.2852A>G), located in coding exon 20 of the PDGFRA gene, results from an A to G substitution at nucleotide position 2852. The glutamic acid at codon 951 is replaced by glycine, an amino acid with similar properties. This amino acid position is conserved. In addition, this alteration is predicted to be tolerated by in silico analysis. Since supporting evidence is limited at this time, the clinical significance of this alteration remains unclear.

NM_006206.6(PDGFRA):c.2852A>G (p.Glu951Gly)

Gene: PDGFRA (platelet derived growth factor receptor alpha; plus strand). Cytogenetic location: 4q12.
Variant type: single nucleotide variant.
Coding change: c.2852A>G on transcript NM_006206.6 (MANE Select); coding-DNA position 2852, A replaced by G.
Protein change: p.Glu951Gly; replaces glutamic acid 951 with glycine.
Molecular consequence: missense variant.
Genome position (GRCh38, 1-based): chr4:54,289,086, A>G. VCF-style: chr4-54289086-A-G. GRCh37 (hg19) VCF-style: chr4-55155253-A-G.
Other names: c.2927A>G, p.Glu976Gly (NM_001347828.2); c.2852A>G, p.Glu951Gly (NM_001347829.2); c.2891A>G, p.Glu964Gly (NM_001347830.2); short protein forms E964G, E976G, E951G.
Identifiers: ClinVar variation 2453864 (VCV002453864.2), dbSNP rs2475561194, ClinGen allele CA356895827.